The following is an entry in ClinVar:

NM_016252.4(BIRC6):c.12864T>C (p.Tyr4288=)

Gene: BIRC6 (baculoviral IAP repeat containing 6; plus strand). Cytogenetic location: 2p22.3.
Variant type: single nucleotide variant.
Coding change: c.12864T>C on transcript NM_016252.4 (MANE Select); coding-DNA position 12864, T replaced by C.
Protein change: p.Tyr4288=; no amino-acid change (tyrosine 4288 retained).
Molecular consequence: synonymous variant.
Genome position (GRCh38, 1-based): chr2:32,547,903, T>C. VCF-style: chr2-32547903-T-C. GRCh37 (hg19) VCF-style: chr2-32772970-T-C.
Other names: c.12861T>C, p.Tyr4287= (NM_001378125.1).
Identifiers: ClinVar variation 3052379 (VCV003052379.2), dbSNP rs147158028, ClinGen allele CA1605387.

ClinVar aggregate classification (germline): Likely benign (0 of 4 stars; one submission).

Conditions:
BIRC6-related disorder. Also called: BIRC6-related condition.

Allele frequency attached by ClinVar (database versions not stated): gnomAD exomes 0.00004; gnomAD 0.00010; TOPMed 0.00011; ExAC 0.00021; 1000 Genomes Project 30x 0.00062; 1000 Genomes Project 0.00080.
gnomAD v4.1: 68 of 1,613,298 alleles (0.0042%); highest among the groups gnomAD compares: East Asian, 0.14%; no homozygotes.

Submission:

PreventionGenetics, part of Exact Sciences
Classification: Likely benign for BIRC6-related condition. Last evaluated: 2019-08-26. Review status: no assertion criteria provided. Collection method: clinical testing. Allele origin: germline.
Comment: This variant is classified as likely benign based on ACMG/AMP sequence variant interpretation guidelines (Richards et al. 2015 PMID: 25741868, with internal and published modifications).